The following is an entry in ClinVar:

ClinVar aggregate classification (germline): Uncertain significance (1 of 4 stars; one submission).

Submission:

Labcorp Genetics (formerly Invitae), Labcorp
Classification: Uncertain significance. Last evaluated: 2022-07-26. Review status: criteria provided, single submitter. Criteria: Invitae Variant Classification Sherloc (09022015). Collection method: clinical testing. Allele origin: germline.
Comment: This sequence change replaces lysine, which is basic and polar, with glutamic acid, which is acidic and polar, at codon 376 of the KCNK4 protein (p.Lys376Glu). This variant is not present in population databases (gnomAD no frequency). This variant has not been reported in the literature in individuals affected with KCNK4-related conditions. ClinVar contains an entry for this variant (Variation ID: 1486284). Experimental studies and prediction algorithms are not available or were not evaluated, and the functional significance of this variant is currently unknown. In summary, the available evidence is currently insufficient to determine the role of this variant in disease. Therefore, it has been classified as a Variant of Uncertain Significance.

NM_033310.3(KCNK4):c.1126A>G (p.Lys376Glu)

Genes: KCNK4 (potassium two pore domain channel subfamily K member 4; plus strand), KCNK4-CATSPERZ (KCNK4-CATSPERZ readthrough (NMD candidate); plus strand). Cytogenetic location: 11q13.1.
Variant type: single nucleotide variant.
Coding change: c.1126A>G on transcript NM_033310.3 (MANE Select); coding-DNA position 1126, A replaced by G.
Protein change: p.Lys376Glu; replaces lysine 376 with glutamic acid.
Molecular consequence: missense variant. On other transcripts: non-coding transcript variant (3).
Genome position (GRCh38, 1-based): chr11:64,299,670, A>G. VCF-style: chr11-64299670-A-G. GRCh37 (hg19) VCF-style: chr11-64067142-A-G.
Other names: c.1126A>G, p.Lys376Glu (NM_001317090.2); short protein forms K376E.
Identifiers: ClinVar variation 1486284 (VCV001486284.8), dbSNP rs1591232390, ClinGen allele CA381069502.
Genomic context (GRCh38, chr11:64,299,670, plus strand): 5'-GAGCGCGGCTGCCCGCTGCCCCGCGCGCCGAGAGGTCGCCGCCGCCCAAATCCCCCCAGG[A>G]AGCCCGTGCGGCCCCGCGGCCCCGGGCGTCCCCGAGACAAAGGCGTGCCGGTGTAGGGGC-3'
Protein context (NP_201567.1, residues 366-386): RGRRRPNPPR[Lys376Glu]PVRPRGPGRP